The following is an entry in ClinVar:

ClinVar aggregate classification (germline): Uncertain significance (1 of 4 stars; one submission).

Conditions:
Hypertrophic cardiomyopathy 26. Also called: Cardiomyopathy, familial hypertrophic, 26. Identifiers: Orphanet 75249, MedGen C4310749, MONDO:0014883, OMIM 617047.
Myofibrillar myopathy 5. Also called: Filaminopathy (type); FILAMINOPATHY, AUTOSOMAL DOMINANT. Identifiers: Orphanet 171445, MedGen C1836050, MONDO:0012289, OMIM 609524.
Distal myopathy with posterior leg and anterior hand involvement. Also called: WILLIAMS DISTAL MYOPATHY. Identifiers: Orphanet 63273, MedGen C3279722, MONDO:0013550, OMIM 614065.

Submission:

Labcorp Genetics (formerly Invitae), Labcorp
Classification: Uncertain significance for Distal myopathy with posterior leg and anterior hand involvement; Myofibrillar myopathy 5; Hypertrophic cardiomyopathy 26. Last evaluated: 2023-08-10. Review status: criteria provided, single submitter. Criteria: Invitae Variant Classification Sherloc (09022015). Collection method: clinical testing. Allele origin: germline.
Comment: This sequence change replaces asparagine, which is neutral and polar, with aspartic acid, which is acidic and polar, at codon 47 of the FLNC protein (p.Asn47Asp). This variant is not present in population databases (gnomAD no frequency). This variant has not been reported in the literature in individuals affected with FLNC-related conditions. Advanced modeling of protein sequence and biophysical properties (such as structural, functional, and spatial information, amino acid conservation, physicochemical variation, residue mobility, and thermodynamic stability) has been performed at Invitae for this missense variant, however the output from this modeling did not meet the statistical confidence thresholds required to predict the impact of this variant on FLNC protein function. In summary, the available evidence is currently insufficient to determine the role of this variant in disease. Therefore, it has been classified as a Variant of Uncertain Significance.

NM_001458.5(FLNC):c.139A>G (p.Asn47Asp)

Gene: FLNC (filamin C; plus strand). Cytogenetic location: 7q32.1.
Variant type: single nucleotide variant.
Coding change: c.139A>G on transcript NM_001458.5 (MANE Select); coding-DNA position 139, A replaced by G.
Protein change: p.Asn47Asp; replaces asparagine 47 with aspartic acid.
Molecular consequence: missense variant.
Genome position (GRCh38, 1-based): chr7:128,830,776, A>G. VCF-style: chr7-128830776-A-G. GRCh37 (hg19) VCF-style: chr7-128470830-A-G.
Other names: c.139A>G, p.Asn47Asp (NM_001127487.2); short protein forms N47D.
Identifiers: ClinVar variation 2940021 (VCV002940021.3), dbSNP rs2536605187, ClinGen allele CA369215972.
Genomic context (GRCh38, chr7:128,830,776, plus strand): 5'-GACCTGGCGGAGGACGCGCCGTGGAAGAAGATCCAGCAGAACACATTCACGCGCTGGTGC[A>G]ATGAGCACCTCAAGTGCGTGGGCAAGCGCCTGACCGACCTGCAGCGCGACCTCAGCGACG-3'
Protein context (NP_001449.3, residues 37-57): IQQNTFTRWC[Asn47Asp]EHLKCVGKRL